The following is an entry in ClinVar:

ClinVar aggregate classification (germline): Likely pathogenic (1 of 4 stars; one submission).

Conditions:
Charlevoix-Saguenay spastic ataxia (SACS). Also called: AUTOSOMAL RECESSIVE SPASTIC ATAXIA OF CHARLEVOIX-SAGUENAY; Spastic ataxia of Charlevoix-Saguenay; SPASTIC ATAXIA 6, AUTOSOMAL RECESSIVE. Identifiers: Orphanet 98, MedGen C1849140, MONDO:0010041, OMIM 270550.

Submission:

Natera, Inc.
Classification: Likely pathogenic for Charlevoix-Saguenay type spastic ataxia. Last evaluated: 2025-06-23. Review status: criteria provided, single submitter. Criteria: Natera Variant Classification Schema (03/2026). Collection method: clinical testing. Allele origin: germline.
Comment: The c.11894_11895del variant in SACS is a frameshift variant predicted to shift the reading frame beginning at codon 3965 and leads to a stop codon 5 codons downstream. This variant is expected to result in nonsense mediated decay, truncation, or a dysfunctional protein product. This variant is rare in the general population with a frequency below the threshold expected for the associated phenotype(s). Given the available evidence, this variant is classified as Likely Pathogenic.

NM_014363.6(SACS):c.11894_11895del (p.Phe3965fs)

Gene: SACS (sacsin molecular chaperone; minus strand). Cytogenetic location: 13q12.12.
Variant type: Deletion.
Coding change: c.11894_11895del on transcript NM_014363.6 (MANE Select); coding-DNA positions 11894 to 11895, 2 bases deleted (TT; older notation c.11894_11895delTT).
Protein change: p.Phe3965fs; shifts the reading frame from phenylalanine 3965.
Molecular consequence: frameshift variant.
Genome position (GRCh38, 1-based): chr13:23,331,981-23,331,982, AA deleted on the plus strand (TT on the coding strand, the reverse complement: SACS is on the minus strand); deleting any 2 consecutive bases within chr13:23,331,981-23,331,983 gives the same sequence; the c. name uses the placement nearest the transcript's 3' end. VCF-style (leftmost placement, unchanged base first): chr13-23331980-GAA-G. GRCh37 (hg19) VCF-style: chr13-23906119-GAA-G.
Other names: c.11453_11454del, p.Phe3818fs (NM_001278055.2); c.11921_11922del, p.Phe3974fs (NM_001437336.1); short protein forms F3818fs, F3965fs, F3974fs.
Identifiers: ClinVar variation 4815675 (VCV004815675.1).